The following is an entry in ClinVar:

ClinVar aggregate classification (germline): Uncertain significance (1 of 4 stars; one submission).

Conditions:
Evans syndrome, immunodeficiency, and premature immunosenescence associated with tripeptidyl-peptidase II deficiency. Identifiers: MedGen CN231723. Disease mechanism: loss of function.

Submission:

Labcorp Genetics (formerly Invitae), Labcorp
Classification: Uncertain significance for Evans syndrome, immunodeficiency, and premature immunosenescence associated with tripeptidyl-peptidase II deficiency. Last evaluated: 2024-06-15. Review status: criteria provided, single submitter. Criteria: Invitae Variant Classification Sherloc (09022015). Collection method: clinical testing. Allele origin: germline.
Comment: This sequence change replaces alanine, which is neutral and non-polar, with threonine, which is neutral and polar, at codon 636 of the TPP2 protein (p.Ala636Thr). This variant is not present in population databases (gnomAD no frequency). This variant has not been reported in the literature in individuals affected with TPP2-related conditions. An algorithm developed to predict the effect of missense changes on protein structure and function (PolyPhen-2) suggests that this variant¬†is likely to be tolerated. In summary, the available evidence is currently insufficient to determine the role of this variant in disease. Therefore, it has been classified as a Variant of Uncertain Significance.

NM_001330588.2(TPP2):c.1906G>A (p.Ala636Thr)

Gene: TPP2 (tripeptidyl peptidase 2; plus strand). Cytogenetic location: 13q33.1.
Variant type: single nucleotide variant.
Coding change: c.1906G>A on transcript NM_001330588.2 (MANE Select); coding-DNA position 1906, G replaced by A.
Protein change: p.Ala636Thr; replaces alanine 636 with threonine.
Molecular consequence: missense variant. On other transcripts: non-coding transcript variant (1).
Genome position (GRCh38, 1-based): chr13:102,638,308, G>A. VCF-style: chr13-102638308-G-A. GRCh37 (hg19) VCF-style: chr13-103290658-G-A.
Other names: c.1906G>A, p.Ala636Thr (NM_001367947.1, NM_003291.4); short protein forms A636T.
Identifiers: ClinVar variation 3709334 (VCV003709334.1).